The following is an entry in ClinVar:

ClinVar aggregate classification (germline): Uncertain significance (1 of 4 stars; one submission).

Conditions:
T-cell immunodeficiency, congenital alopecia, and nail dystrophy. Also called: Congenital alopecia and nail dystrophy associated with severe functional T-cell immunodeficiency; Pignata Guarino syndrome. Identifiers: Orphanet 169095, MedGen C1866426, MONDO:0011132, OMIM 601705.

Submission:

Labcorp Genetics (formerly Invitae), Labcorp
Classification: Uncertain significance for T-cell immunodeficiency, congenital alopecia, and nail dystrophy. Last evaluated: 2021-09-01. Review status: criteria provided, single submitter. Criteria: Invitae Variant Classification Sherloc (09022015). Collection method: clinical testing. Allele origin: germline.
Comment: This sequence change replaces proline with alanine at codon 34 of the FOXN1 protein (p.Pro34Ala). The proline residue is weakly conserved and there is a small physicochemical difference between proline and alanine. This variant is not present in population databases (ExAC no frequency). This variant has not been reported in the literature in individuals affected with FOXN1-related conditions. Algorithms developed to predict the effect of missense changes on protein structure and function (SIFT, PolyPhen-2, Align-GVGD) all suggest that this variant is likely to be tolerated. In summary, the available evidence is currently insufficient to determine the role of this variant in disease. Therefore, it has been classified as a Variant of Uncertain Significance.

NM_001369369.1(FOXN1):c.100C>G (p.Pro34Ala)

Gene: FOXN1 (forkhead box N1; plus strand). Cytogenetic location: 17q11.2.
Variant type: single nucleotide variant.
Coding change: c.100C>G on transcript NM_001369369.1 (MANE Select); coding-DNA position 100, C replaced by G.
Protein change: p.Pro34Ala; replaces proline 34 with alanine.
Molecular consequence: missense variant.
Genome position (GRCh38, 1-based): chr17:28,524,069, C>G. VCF-style: chr17-28524069-C-G. GRCh37 (hg19) VCF-style: chr17-26851087-C-G.
Other names: c.100C>G, p.Pro34Ala (NM_003593.3); short protein forms P34A.
Identifiers: ClinVar variation 1471842 (VCV001471842.5), dbSNP rs2151486431, ClinGen allele CA398320319.